The following is an entry in ClinVar:

NM_001142800.2(EYS):c.8751G>C (p.Leu2917Phe)

Genes: EYS (eyes shut homolog; minus strand), PHF3 (PHD finger protein 3; plus strand). Cytogenetic location: 6q12.
Variant type: single nucleotide variant.
Coding change: c.8751G>C on transcript NM_001142800.2 (MANE Select); coding-DNA position 8751, G replaced by C.
Protein change: p.Leu2917Phe; replaces leucine 2917 with phenylalanine.
Molecular consequence: missense variant. On other transcripts: 3 prime UTR variant (5).
Genome position (GRCh38, 1-based): chr6:63,721,280, C>G on the plus strand (G>C on the coding strand, the complement: EYS is on the minus strand). VCF-style: chr6-63721280-C-G. GRCh37 (hg19) VCF-style: chr6-64431176-C-G.
Other names: c.*7572C>G (NM_001290259.2, NM_001370348.2, NM_001370349.2 and 2 more transcripts); c.8814G>C, p.Leu2938Phe (NM_001292009.2); short protein forms L2917F, L2938F.
Identifiers: ClinVar variation 1387651 (VCV001387651.5), dbSNP rs1768375880, ClinGen allele CA364384059.

ClinVar aggregate classification (germline): Uncertain significance (1 of 4 stars; one submission).

Allele frequency attached by ClinVar (database versions not stated): gnomAD exomes below 0.00001; gnomAD 0.00001.
gnomAD v4.1: 3 of 1,551,810 alleles (0.00019%); highest among the groups gnomAD compares: African/African-American, 0.0041%; no homozygotes.

Submission:

Labcorp Genetics (formerly Invitae), Labcorp
Classification: Uncertain significance. Last evaluated: 2021-11-30. Review status: criteria provided, single submitter. Criteria: Invitae Variant Classification Sherloc (09022015). Collection method: clinical testing. Allele origin: germline.
Comment: In summary, the available evidence is currently insufficient to determine the role of this variant in disease. Therefore, it has been classified as a Variant of Uncertain Significance. Algorithms developed to predict the effect of missense changes on protein structure and function are either unavailable or do not agree on the potential impact of this missense change (SIFT: "Tolerated"; PolyPhen-2: "Possibly Damaging"; Align-GVGD: "Class C0"). This variant has not been reported in the literature in individuals affected with EYS-related conditions. This variant is not present in population databases (gnomAD no frequency). This sequence change replaces leucine, which is neutral and non-polar, with phenylalanine, which is neutral and non-polar, at codon 2917 of the EYS protein (p.Leu2917Phe).